The following is an entry in ClinVar:

NM_198503.5(KCNT2):c.1690A>T (p.Lys564Ter)

Gene: KCNT2 (potassium sodium-activated channel subfamily T member 2; minus strand). Cytogenetic location: 1q31.3.
Variant type: single nucleotide variant.
Coding change: c.1690A>T on transcript NM_198503.5 (MANE Select); coding-DNA position 1690, A replaced by T.
Protein change: p.Lys564Ter; replaces lysine 564 with a stop codon.
Molecular consequence: nonsense. On other transcripts: non-coding transcript variant (2).
Genome position (GRCh38, 1-based): chr1:196,340,434, T>A on the plus strand (A>T on the coding strand, the complement: KCNT2 is on the minus strand). VCF-style: chr1-196340434-T-A. GRCh37 (hg19) VCF-style: chr1-196309564-T-A.
Other names: c.1690A>T, p.Lys564Ter (NM_001287819.3); c.1540A>T, p.Lys514Ter (NM_001287820.3); short protein forms K514*, K564*.
Identifiers: ClinVar variation 695093 (VCV000695093.3), dbSNP rs1572096837, ClinGen allele CA343979136.

ClinVar aggregate classification (germline): Likely pathogenic. Review status: criteria provided, single submitter (1 of 4 stars). 2 submissions from 2 submitters: Likely pathogenic (1). 1 of the submissions does not count toward it. Last evaluated 2019-11-19.

Conditions:
Seizure. Also called: Seizures. Identifiers: MedGen C0036572, HP:0001250.
Developmental and epileptic encephalopathy, 57. Also called: EPILEPTIC ENCEPHALOPATHY, EARLY INFANTILE, 57. Identifiers: MedGen C4540411, MONDO:0033366, OMIM 617771.

Submissions (2):

Department of Medical Genetics, Hunan Provincial Maternal and Child Health Care Hospital
Classification: Likely pathogenic for Seizure. Last evaluated: 2019-11-19. Review status: criteria provided, single submitter. Criteria: ACMG Guidelines, 2015. Collection method: clinical testing. Allele origin: de novo. Inheritance: Autosomal dominant inheritance. Affected: yes. Observed: 1 heterozygote.
Comment: This variant exerted loss of function effect in vitro.

OMIM
Classification: Pathogenic for DEVELOPMENTAL AND EPILEPTIC ENCEPHALOPATHY 57. Last evaluated: 2020-12-04. Review status: no assertion criteria provided. Collection method: literature only. Allele origin: germline. Not counted in ClinVar's aggregate classification.

Literature cited by the submitters: PubMed 32038177 (cited by OMIM).